The following is an entry in ClinVar:

NM_000132.4(F8):c.184T>C (p.Ser62Pro)

Gene: F8 (coagulation factor VIII; minus strand). Cytogenetic location: Xq28.
Variant type: single nucleotide variant.
Coding change: c.184T>C on transcript NM_000132.4 (MANE Select); coding-DNA position 184, T replaced by C.
Protein change: p.Ser62Pro; replaces serine 62 with proline.
Molecular consequence: missense variant.
Genome position (GRCh38, 1-based): chrX:154,999,560, A>G on the plus strand (T>C on the coding strand, the complement: F8 is on the minus strand). VCF-style: chrX-154999560-A-G. GRCh37 (hg19) VCF-style: chrX-154227835-A-G.
Other names: short protein forms S62P.
Identifiers: ClinVar variation 4848810 (VCV004848810.1).
Genomic context (GRCh38, chrX:154,999,560, plus strand): 5'-TAGCGATGTTGAAAAGGTGATCCGTGAATTCTACAAACAGAGTCTTTTTGTACACGACTG[A>G]GGTGTTGAATGGAAAAGATTTTGGCACTCTAGGAGGAAATCTGCGTGAAGAAAGGAAAAA-3'
Protein context (NP_000123.1, residues 52-72): RVPKSFPFNT[Ser62Pro]VVYKKTLFVE

ClinVar aggregate classification (germline): Uncertain significance (1 of 4 stars; one submission).

Submission:

Women's Health and Genetics/Laboratory Corporation of America, LabCorp
Classification: Uncertain significance. Last evaluated: 2026-04-07. Review status: criteria provided, single submitter. Criteria: LabCorp Variant Classification Summary - May 2015. Collection method: clinical testing. Allele origin: germline.
Comment: Variant summary: F8 c.184T>C (p.Ser62Pro) results in a non-conservative amino acid change in the encoded protein sequence. Algorithms developed to predict the effect of missense changes on protein structure and function are either unavailable or do not agree on the potential impact of this missense change. The variant was absent in 183460 control chromosomes. The available data on variant occurrences in the general population are insufficient to allow any conclusion about variant significance. To our knowledge, no occurrence of c.184T>C in individuals affected with F8-related conditions and no experimental evidence demonstrating its impact on protein function have been reported. No submitters have cited clinical-significance assessments for this variant to ClinVar. Based on the evidence outlined above, the variant was classified as uncertain significance.